The following is an entry in ClinVar:

NM_173630.4(RTTN):c.3033T>C (p.Cys1011=)

Gene: RTTN (rotatin; minus strand). Cytogenetic location: 18q22.2.
Variant type: single nucleotide variant.
Coding change: c.3033T>C on transcript NM_173630.4 (MANE Select); coding-DNA position 3033, T replaced by C.
Protein change: p.Cys1011=; no amino-acid change (cysteine 1011 retained).
Molecular consequence: synonymous variant.
Genome position (GRCh38, 1-based): chr18:70,128,468, A>G on the plus strand (T>C on the coding strand, the complement: RTTN is on the minus strand). VCF-style: chr18-70128468-A-G. GRCh37 (hg19) VCF-style: chr18-67795704-A-G.
Other names: c.297T>C, p.Cys99= (NM_001318520.2).
Identifiers: ClinVar variation 3898577 (VCV003898577.7).

ClinVar aggregate classification (germline): Likely benign (1 of 4 stars; one submission).

Submission:

CeGaT Center for Human Genetics Tuebingen
Classification: Likely benign. Last evaluated: 2025-04-01. Review status: criteria provided, single submitter. Criteria: CeGaT Center For Human Genetics Tuebingen Variant Classification Criteria Version 2. Collection method: clinical testing. Allele origin: germline. Affected: yes. Observed: 1 variant allele.
Comment: RTTN: PM2:Supporting, BP4, BP7